The following is an entry in ClinVar:

ClinVar aggregate classification (germline): Uncertain significance (1 of 4 stars; one submission).

Allele frequency attached by ClinVar (database versions not stated): gnomAD exomes below 0.00001.

Submission:

Labcorp Genetics (formerly Invitae), Labcorp
Classification: Uncertain significance. Last evaluated: 2022-06-22. Review status: criteria provided, single submitter. Criteria: Invitae Variant Classification Sherloc (09022015). Collection method: clinical testing. Allele origin: germline.
Comment: In summary, the available evidence is currently insufficient to determine the role of this variant in disease. Therefore, it has been classified as a Variant of Uncertain Significance. Algorithms developed to predict the effect of missense changes on protein structure and function are either unavailable or do not agree on the potential impact of this missense change (SIFT: "Deleterious"; PolyPhen-2: "Not Available"; Align-GVGD: "Class C35"). This variant has not been reported in the literature in individuals affected with RIN2-related conditions. This variant is not present in population databases (gnomAD no frequency). This sequence change replaces proline, which is neutral and non-polar, with leucine, which is neutral and non-polar, at codon 510 of the RIN2 protein (p.Pro510Leu).

NM_018993.4(RIN2):c.1529C>T (p.Pro510Leu)

Gene: RIN2 (Ras and Rab interactor 2; plus strand). Cytogenetic location: 20p11.23.
Variant type: single nucleotide variant.
Coding change: c.1529C>T on transcript NM_018993.4 (MANE Select); coding-DNA position 1529, C replaced by T.
Protein change: p.Pro510Leu; replaces proline 510 with leucine.
Molecular consequence: missense variant.
Genome position (GRCh38, 1-based): chr20:19,975,554, C>T. VCF-style: chr20-19975554-C-T. GRCh37 (hg19) VCF-style: chr20-19956198-C-T.
Other names: c.1676C>T, p.Pro559Leu (NM_001242581.2); c.911C>T, p.Pro304Leu (NM_001378238.1); short protein forms P510L, P559L, P304L.
Identifiers: ClinVar variation 1948208 (VCV001948208.5), dbSNP rs2515517341, ClinGen allele CA408362960.